The following is an entry in ClinVar:

NM_000318.3(PEX2):c.737T>C (p.Leu246Pro)

Gene: PEX2 (peroxisomal biogenesis factor 2; minus strand). Cytogenetic location: 8q21.13.
Variant type: single nucleotide variant.
Coding change: c.737T>C on transcript NM_000318.3 (MANE Select); coding-DNA position 737, T replaced by C.
Protein change: p.Leu246Pro; replaces leucine 246 with proline.
Molecular consequence: missense variant.
Genome position (GRCh38, 1-based): chr8:76,983,442, A>G on the plus strand (T>C on the coding strand, the complement: PEX2 is on the minus strand). VCF-style: chr8-76983442-A-G. GRCh37 (hg19) VCF-style: chr8-77895678-A-G.
Other names: c.737T>C, p.Leu246Pro (NM_001079867.2, NM_001172086.2, NM_001172087.2); short protein forms L246P.
Identifiers: ClinVar variation 2160766 (VCV002160766.1), dbSNP rs2487450589, ClinGen allele CA371556691.

ClinVar aggregate classification (germline): Uncertain significance (1 of 4 stars; one submission).

Conditions:
Peroxisome biogenesis disorder 5A (Zellweger) (PBD5A). Identifiers: Orphanet 912, MedGen C3553940, MONDO:0013932, OMIM 614866.

Submission:

Labcorp Genetics (formerly Invitae), Labcorp
Classification: Uncertain significance for Peroxisome biogenesis disorder 5A (Zellweger). Last evaluated: 2022-03-15. Review status: criteria provided, single submitter. Criteria: Invitae Variant Classification Sherloc (09022015). Collection method: clinical testing. Allele origin: germline.
Comment: This sequence change replaces leucine, which is neutral and non-polar, with proline, which is neutral and non-polar, at codon 246 of the PEX2 protein (p.Leu246Pro). This variant is not present in population databases (gnomAD no frequency). This variant has not been reported in the literature in individuals affected with PEX2-related conditions. Algorithms developed to predict the effect of missense changes on protein structure and function are either unavailable or do not agree on the potential impact of this missense change (SIFT: "Deleterious"; PolyPhen-2: "Probably Damaging"; Align-GVGD: "Class C15"). In summary, the available evidence is currently insufficient to determine the role of this variant in disease. Therefore, it has been classified as a Variant of Uncertain Significance.